The following is an entry in ClinVar:

ClinVar aggregate classification (germline): Pathogenic (1 of 4 stars; one submission).

Submission:

Centre for Clinical Genetics and Genomic Diagnostics, Zealand University Hospital
Classification: Pathogenic. Last evaluated: 2025-02-11. Review status: criteria provided, single submitter. Criteria: ACMG Guidelines, 2015. Collection method: clinical testing. Allele origin: germline. Affected: yes.
Comment: Compound heterozygous

NM_001130987.2(DYSF):c.1395del (p.Leu466fs)

Gene: DYSF (dysferlin; plus strand). Cytogenetic location: 2p13.2.
Variant type: Deletion.
Coding change: c.1395del on transcript NM_001130987.2 (MANE Select); coding-DNA position 1395, one base deleted (C; older notation c.1395delC).
Protein change: p.Leu466fs; shifts the reading frame from leucine 466.
Molecular consequence: frameshift variant.
Genome position (GRCh38, 1-based): chr2:71,535,035, C deleted. VCF-style (leftmost placement, unchanged base first): chr2-71535034-TC-T. GRCh37 (hg19) VCF-style: chr2-71762164-TC-T.
Other names: c.1302del, p.Leu435fs (NM_001130455.2, NM_001130983.2, NM_001130984.2 and 1 more transcripts); c.1299del, p.Leu434fs (NM_001130976.2, NM_001130977.2, NM_001130978.2 and 1 more transcripts); c.1392del, p.Leu465fs (NM_001130979.2, NM_001130980.2, NM_001130981.2); c.1395del, p.Leu466fs (NM_001130982.2, NM_001130985.2); short protein forms L434fs, L435fs, L465fs, L466fs.
Identifiers: ClinVar variation 4526778 (VCV004526778.1).